The following is an entry in ClinVar:

ClinVar aggregate classification (germline): Benign (1 of 4 stars; one submission).

Conditions:
Hereditary diffuse leukoencephalopathy with spheroids. Also called: LEUKOENCEPHALOPATHY, ADULT-ONSET, WITH AXONAL SPHEROIDS AND PIGMENTED GLIA. Identifiers: Orphanet 313808, MedGen C3711381, MONDO:0030796.

Allele frequency attached by ClinVar (database versions not stated): gnomAD 0.00024 and 0.00026; 1000 Genomes Project 0.00060; gnomAD exomes 0.00009; TOPMed 0.00022; 1000 Genomes Project 30x 0.00078.
gnomAD v4.1: 45 of 235,660 alleles (0.019%); highest among the groups gnomAD compares: Middle Eastern, 0.13%; no homozygotes.

Submission:

Illumina Laboratory Services, Illumina
Classification: Benign for Leukoencephalopathy, diffuse hereditary, with spheroids 1. Last evaluated: 2018-01-13. Review status: criteria provided, single submitter. Criteria: ICSL Variant Classification Criteria 13 December 2019. Collection method: clinical testing. Allele origin: germline.
Comment: This variant was observed in the ICSL laboratory as part of a predisposition screen in an ostensibly healthy population. It had not been previously curated by ICSL or reported in the Human Gene Mutation Database (HGMD: prior to June 1st, 2018), and was therefore a candidate for classification through an automated scoring system. Utilizing variant allele frequency, disease prevalence and penetrance estimates, and inheritance mode, an automated score was calculated to assess if this variant is too frequent to cause the disease. Based on the score and internal cut-off values, a variant classified as benign is not then subjected to further curation. The score for this variant resulted in a classification of benign for this disease.

NM_001288705.3(CSF1R):c.*532G>A

Gene: CSF1R (colony stimulating factor 1 receptor; minus strand). Cytogenetic location: 5q32.
Variant type: single nucleotide variant.
Coding change: c.*532G>A on transcript NM_001288705.3 (MANE Select); 532 bases downstream of the stop codon, G replaced by A.
Molecular consequence: 3 prime UTR variant. On other transcripts: non-coding transcript variant (2).
Genome position (GRCh38, 1-based): chr5:150,053,537, C>T on the plus strand (G>A on the coding strand, the complement: CSF1R is on the minus strand). VCF-style: chr5-150053537-C-T. GRCh37 (hg19) VCF-style: chr5-149433100-C-T.
Other names: c.*532G>A (NM_001349736.2, NM_001375320.1, NM_001375321.1 and 1 more transcripts).
Identifiers: ClinVar variation 906309 (VCV000906309.4), dbSNP rs527300272, ClinGen allele CA129100105.